The following is an entry in ClinVar:

ClinVar aggregate classification (germline): Uncertain significance (1 of 4 stars; one submission).

Allele frequency attached by ClinVar (database versions not stated): gnomAD 0.00001; gnomAD exomes 0.00001 and 0.00002; ExAC 0.00003.
gnomAD v4.1: 9 of 1,205,274 alleles (0.00075%); highest among the groups gnomAD compares: African/African-American, 0.0035%; no homozygotes.

Submission:

Laboratory for Molecular Medicine, Mass General Brigham Personalized Medicine
Classification: Uncertain significance. Last evaluated: 2016-06-10. Review status: criteria provided, single submitter. Criteria: LMM Criteria. Collection method: clinical testing. Allele origin: germline. Observed: 1 variant allele.
Comment: The p.Ser369Leu variant in LAMP2 has not been previously reported in individuals with cardiomyopathy, but has been identified in 2/47977 European chromosomes, i ncluding one hemizygote, by the Exome Aggregation Consortium (ExAC.; dbSNP rs765143363). Computational prediction tools and conse rvation analysis suggest that the p.Ser369Leu variant may not impact the protein . Although this information is not predictive enough to rule out pathogenicity m issense variants in this gene are typically not pathogenic. In summary, the clin ical significance of the p.Ser369Leu variant is uncertain.

NM_002294.3(LAMP2):c.1093+2449C>T

Gene: LAMP2 (lysosomal associated membrane protein 2; minus strand). Cytogenetic location: Xq24.
Variant type: single nucleotide variant.
Coding change: c.1093+2449C>T on transcript NM_002294.3 (MANE Select); 2449 bases into the intron after coding-DNA position 1093, C replaced by T.
Molecular consequence: intron variant. On other transcripts: missense variant (1).
Genome position (GRCh38, 1-based): chrX:120,439,281, G>A on the plus strand (C>T on the coding strand, the complement: LAMP2 is on the minus strand). VCF-style: chrX-120439281-G-A. GRCh37 (hg19) VCF-style: chrX-119573136-G-A.
Other names: c.1106C>T, p.Ser369Leu (NM_013995.2); c.1093+2449C>T (NM_001122606.1); short protein forms S369L.
Identifiers: ClinVar variation 505129 (VCV000505129.4), dbSNP rs765143363, ClinGen allele CA10505195.